The following is an entry in ClinVar:

ClinVar aggregate classification (germline): Uncertain significance (1 of 4 stars; one submission).

Submission:

Labcorp Genetics (formerly Invitae), Labcorp
Classification: Uncertain significance. Last evaluated: 2024-12-11. Review status: criteria provided, single submitter. Criteria: Invitae Variant Classification Sherloc (09022015). Collection method: clinical testing. Allele origin: germline.
Comment: This sequence change replaces threonine, which is neutral and polar, with alanine, which is neutral and non-polar, at codon 132 of the FAR1 protein (p.Thr132Ala). This variant is not present in population databases (gnomAD no frequency). This variant has not been reported in the literature in individuals affected with FAR1-related conditions. Invitae Evidence Modeling of protein sequence and biophysical properties (such as structural, functional, and spatial information, amino acid conservation, physicochemical variation, residue mobility, and thermodynamic stability) indicates that this missense variant is not expected to disrupt FAR1 protein function with a negative predictive value of 80%. In summary, the available evidence is currently insufficient to determine the role of this variant in disease. Therefore, it has been classified as a Variant of Uncertain Significance.

NM_032228.6(FAR1):c.394A>G (p.Thr132Ala)

Gene: FAR1 (fatty acyl-CoA reductase 1; plus strand). Cytogenetic location: 11p15.3.
Variant type: single nucleotide variant.
Coding change: c.394A>G on transcript NM_032228.6 (MANE Select); coding-DNA position 394, A replaced by G.
Protein change: p.Thr132Ala; replaces threonine 132 with alanine.
Molecular consequence: missense variant.
Genome position (GRCh38, 1-based): chr11:13,707,928, A>G. VCF-style: chr11-13707928-A-G. GRCh37 (hg19) VCF-style: chr11-13729475-A-G.
Other names: short protein forms T132A.
Identifiers: ClinVar variation 3650249 (VCV003650249.2).